The following is an entry in ClinVar:

NM_004525.3(LRP2):c.5289T>G (p.Pro1763=)

Gene: LRP2 (LDL receptor related protein 2; minus strand). Cytogenetic location: 2q31.1.
Variant type: single nucleotide variant.
Coding change: c.5289T>G on transcript NM_004525.3 (MANE Select); coding-DNA position 5289, T replaced by G.
Protein change: p.Pro1763=; no amino-acid change (proline 1763 retained).
Molecular consequence: synonymous variant.
Genome position (GRCh38, 1-based): chr2:169,226,527, A>C on the plus strand (T>G on the coding strand, the complement: LRP2 is on the minus strand). VCF-style: chr2-169226527-A-C. GRCh37 (hg19) VCF-style: chr2-170083037-A-C.
Identifiers: ClinVar variation 332160 (VCV000332160.14), dbSNP rs568311340, ClinGen allele CA1954569.
Genomic context (GRCh38, chr2:169,226,527, plus strand): 5'-AACATCTAAACCATTCTGTATCCCTGCTATGGGGACCATAGCATCATTGCTCTTCACCTC[A>C]GGATTAAGGGAGATTCCAAAAATTATATGTTGCCTTACAGTTATTAAGAAAGGTTGATCA-3'
Protein context (NP_004516.2, residues 1753-1773): QHIIFGISLN[Pro1763=]EVKSNDAMVP

ClinVar aggregate classification (germline): Conflicting classifications of pathogenicity. Review status: criteria provided, conflicting classifications (1 of 4 stars). 4 submissions from 4 submitters: Uncertain significance (1); Likely benign (3). Last evaluated 2026-09-04.

Conditions:
LRP2-related disorder. Also called: LRP2-related condition.
Donnai-Barrow syndrome. Also called: FACIOOCULOACOUSTICORENAL SYNDROME; DBS/FOAR SYNDROME. Identifiers: Orphanet 2143, MedGen C1857277, MONDO:0009104, OMIM 222448.

Allele frequency attached by ClinVar (database versions not stated): gnomAD below 0.00001 and 0.00004; gnomAD exomes 0.00005 and 0.00009; ExAC 0.00010; 1000 Genomes Project 30x 0.00016; 1000 Genomes Project 0.00020.
gnomAD v4.1: 78 of 1,613,174 alleles (0.0048%); highest among the groups gnomAD compares: South Asian, 0.081%; no homozygotes.

Submissions (4):

PreventionGenetics, part of Exact Sciences
Classification: Likely benign for LRP2-related condition. Last evaluated: 2026-09-04. Review status: criteria provided, single submitter. Criteria: ACMG Guidelines, 2015. Collection method: clinical testing. Allele origin: germline.
Comment: This variant is classified as likely benign based on ACMG/AMP sequence variant interpretation guidelines (Richards et al. 2015 PMID: 25741868, with internal and published modifications).

Labcorp Genetics (formerly Invitae), Labcorp
Classification: Likely benign. Last evaluated: 2026-01-20. Review status: criteria provided, single submitter. Criteria: Invitae Variant Classification Sherloc (09022015). Collection method: clinical testing. Allele origin: germline.

Blueprint Genetics
Classification: Likely benign. Last evaluated: 2018-11-29. Review status: criteria provided, single submitter. Criteria: ACMG Guidelines, 2015. Collection method: clinical testing. Allele origin: germline.

Illumina Laboratory Services, Illumina
Classification: Uncertain significance for Donnai-Barrow syndrome. Last evaluated: 2018-01-13. Review status: criteria provided, single submitter. Criteria: ICSL Variant Classification Criteria 13 December 2019. Collection method: clinical testing. Allele origin: germline.